The following is an entry in ClinVar:

ClinVar aggregate classification (germline): Uncertain significance. Review status: criteria provided, multiple submitters, no conflicts (2 of 4 stars). 3 submissions from 3 submitters: Uncertain significance (3). Last evaluated 2023-08-01.

Conditions:
Inborn genetic diseases. Identifiers: MedGen C0950123, MeSH D030342.
Martsolf syndrome (MARTS). Also called: Congenital cataract with intellectual disability and hypogonadotropic hypogonadism syndrome. Identifiers: Orphanet 1387, MedGen C0796037, MONDO:0023910.
Warburg micro syndrome 2 (WARBM2). Also called: MICRO SYNDROME 2. Identifiers: Orphanet 2510, MedGen C3280214, MONDO:0013641, OMIM 614225.

Allele frequency attached by ClinVar (database versions not stated): TOPMed 0.00001; gnomAD 0.00002; gnomAD exomes 0.00005; ExAC 0.00010.
gnomAD v4.1: 77 of 1,611,270 alleles (0.0048%); highest among the groups gnomAD compares: South Asian, 0.076%; no homozygotes.

Submissions (3):

GeneDx
Classification: Uncertain significance. Last evaluated: 2023-08-01. Review status: criteria provided, single submitter. Criteria: GeneDx Variant Classification Process June 2021. Collection method: clinical testing. Allele origin: germline. Affected: yes.
Comment: In silico analysis supports that this missense variant has a deleterious effect on protein structure/function; Has not been previously published as pathogenic or benign to our knowledge

Labcorp Genetics (formerly Invitae), Labcorp
Classification: Uncertain significance for Martsolf syndrome; Warburg micro syndrome 2. Last evaluated: 2022-06-10. Review status: criteria provided, single submitter. Criteria: Invitae Variant Classification Sherloc (09022015). Collection method: clinical testing. Allele origin: germline.
Comment: In summary, the available evidence is currently insufficient to determine the role of this variant in disease. Therefore, it has been classified as a Variant of Uncertain Significance. Algorithms developed to predict the effect of missense changes on protein structure and function (SIFT, PolyPhen-2, Align-GVGD) all suggest that this variant is likely to be tolerated. This variant has not been reported in the literature in individuals affected with RAB3GAP2-related conditions. This variant is present in population databases (rs754641718, gnomAD 0.07%). This sequence change replaces threonine, which is neutral and polar, with isoleucine, which is neutral and non-polar, at codon 1319 of the RAB3GAP2 protein (p.Thr1319Ile).

Ambry Genetics
Classification: Uncertain significance for Inborn genetic diseases. Last evaluated: 2022-03-31. Review status: criteria provided, single submitter. Criteria: Ambry Variant Classification Scheme 2023. Collection method: clinical testing. Allele origin: germline.

NM_012414.4(RAB3GAP2):c.3956C>T (p.Thr1319Ile)

Gene: RAB3GAP2 (RAB3 GTPase activating non-catalytic protein subunit 2; minus strand). Cytogenetic location: 1q41.
Variant type: single nucleotide variant.
Coding change: c.3956C>T on transcript NM_012414.4 (MANE Select); coding-DNA position 3956, C replaced by T.
Protein change: p.Thr1319Ile; replaces threonine 1319 with isoleucine.
Molecular consequence: missense variant.
Genome position (GRCh38, 1-based): chr1:220,151,676, G>A on the plus strand (C>T on the coding strand, the complement: RAB3GAP2 is on the minus strand). VCF-style: chr1-220151676-G-A. GRCh37 (hg19) VCF-style: chr1-220325018-G-A.
Other names: c.3956C>T (NM_012414.3); short protein forms T1319I.
Identifiers: ClinVar variation 2064743 (VCV002064743.5), dbSNP rs754641718, ClinGen allele CA1401997.